The following is an entry in ClinVar:

ClinVar aggregate classification (germline): Conflicting classifications of pathogenicity. Review status: criteria provided, conflicting classifications (1 of 4 stars). 3 submissions from 3 submitters: Uncertain significance (2); Likely benign (1). Last evaluated 2025-04-27.

Conditions:
Hereditary breast ovarian cancer syndrome. Also called: Hereditary breast and ovarian cancer syndrome; Hereditary breast and ovarian cancer; Hereditary breast and ovarian cancer syndrome (HBOC); Breast and ovarian cancer; Hereditary breast and/or ovarian cancer syndrome; BRCA1- and BRCA2-Associated Hereditary Breast and Ovarian Cancer. Identifiers: Orphanet 145, MedGen C0677776, MeSH D061325, MONDO:0003582. Disease mechanism: loss of function.
Hereditary cancer-predisposing syndrome. Also called: Neoplastic Syndromes, Hereditary; Tumor predisposition; Hereditary Cancer Syndrome; Hereditary neoplastic syndrome. Identifiers: Orphanet 140162, MedGen C0027672, MeSH D009386, MONDO:0015356.

Submissions (3):

Labcorp Genetics (formerly Invitae), Labcorp
Classification: Uncertain significance for Hereditary breast ovarian cancer syndrome. Last evaluated: 2025-04-27. Review status: criteria provided, single submitter. Criteria: Invitae Variant Classification Sherloc (09022015). Collection method: clinical testing. Allele origin: germline.
Comment: This sequence change replaces aspartic acid, which is acidic and polar, with glycine, which is neutral and non-polar, at codon 935 of the BRCA2 protein (p.Asp935Gly). This variant is not present in population databases (gnomAD no frequency). This variant has not been reported in the literature in individuals affected with BRCA2-related conditions. ClinVar contains an entry for this variant (Variation ID: 481503). Invitae Evidence Modeling of protein sequence and biophysical properties (such as structural, functional, and spatial information, amino acid conservation, physicochemical variation, residue mobility, and thermodynamic stability) indicates that this missense variant is not expected to disrupt BRCA2 protein function with a negative predictive value of 95%. In summary, the available evidence is currently insufficient to determine the role of this variant in disease. Therefore, it has been classified as a Variant of Uncertain Significance.

Ambry Genetics
Classification: Uncertain significance for Hereditary cancer-predisposing syndrome. Last evaluated: 2025-03-25. Review status: criteria provided, single submitter. Criteria: Ambry Variant Classification Scheme 2023. Collection method: clinical testing. Allele origin: germline.
Comment: The p.D935G variant (also known as c.2804A>G), located in coding exon 10 of the BRCA2 gene, results from an A to G substitution at nucleotide position 2804. The aspartic acid at codon 935 is replaced by glycine, an amino acid with similar properties. This amino acid position is not well conserved in available vertebrate species. In addition, the in silico prediction for this alteration is inconclusive. Since supporting evidence is limited at this time, the clinical significance of this alteration remains unclear.

University of Washington Department of Laboratory Medicine, University of Washington
Classification: Likely benign for Hereditary cancer-predisposing syndrome. Last evaluated: 2023-03-23. Review status: criteria provided, single submitter. Criteria: Dines et al. (Genet Med. 2020). Collection method: curation. Allele origin: germline.
Comment: Missense variant in a coldspot region where missense variants are very unlikely to be pathogenic (PMID:31911673).

BRCA2 exon 11 coldspot. Reclassification based on statistical prior probability.

NM_000059.4(BRCA2):c.2804A>G (p.Asp935Gly)

Gene: BRCA2 (BRCA2 DNA repair associated; plus strand). Cytogenetic location: 13q13.1.
Variant type: single nucleotide variant.
Coding change: c.2804A>G on transcript NM_000059.4 (MANE Select); coding-DNA position 2804, A replaced by G.
Protein change: p.Asp935Gly; replaces aspartic acid 935 with glycine.
Molecular consequence: missense variant.
Genome position (GRCh38, 1-based): chr13:32,337,159, A>G. VCF-style: chr13-32337159-A-G. GRCh37 (hg19) VCF-style: chr13-32911296-A-G.
Other names: short protein forms D935G.
Identifiers: ClinVar variation 481503 (VCV000481503.12), dbSNP rs1555282864, ClinGen allele CA387773751.